The following is an entry in ClinVar:

NM_001966.4(EHHADH):c.1825A>G (p.Ile609Val)

Gene: EHHADH (enoyl-CoA hydratase and 3-hydroxyacyl CoA dehydrogenase; minus strand). Cytogenetic location: 3q27.2.
Variant type: single nucleotide variant.
Coding change: c.1825A>G on transcript NM_001966.4 (MANE Select); coding-DNA position 1825, A replaced by G.
Protein change: p.Ile609Val; replaces isoleucine 609 with valine.
Molecular consequence: missense variant.
Genome position (GRCh38, 1-based): chr3:185,192,573, T>C on the plus strand (A>G on the coding strand, the complement: EHHADH is on the minus strand). VCF-style: chr3-185192573-T-C. GRCh37 (hg19) VCF-style: chr3-184910361-T-C.
Other names: c.1537A>G, p.Ile513Val (NM_001166415.2); short protein forms I609V, I513V.
Identifiers: ClinVar variation 2325375 (VCV002325375.4), dbSNP rs753315556, ClinGen allele CA2738916.
Genomic context (GRCh38, chr3:185,192,573, plus strand): 5'-TGATAAGTGAATATAAGCAGCGTTCAAGGATCTCATCCTGGCTAATGGTACGTGGTTCAA[T>C]GTGATGGGTTTTTCTATACCGTGATAGGAATTTGGAAAGCCAGGGATCAGGTTTGTGAAT-3'
Protein context (NP_001957.2, residues 599-619): FLSRYRKTHH[Ile609Val]EPRTISQDEI

ClinVar aggregate classification (germline): Uncertain significance. Review status: criteria provided, multiple submitters, no conflicts (2 of 4 stars). 2 submissions from 2 submitters: Uncertain significance (2). Last evaluated 2025-07-03.

Conditions:
EHHADH-related disorder. Also called: EHHADH-related condition.

Allele frequency attached by ClinVar (database versions not stated): gnomAD 0.00001; gnomAD exomes 0.00001; TOPMed 0.00001; ExAC 0.00002.
gnomAD v4.1: 11 of 1,614,080 alleles (0.00068%); highest among the groups gnomAD compares: East Asian, 0.022%; no homozygotes.

Submissions (2):

PreventionGenetics, part of Exact Sciences
Classification: Uncertain significance for EHHADH-related condition. Last evaluated: 2025-07-03. Review status: criteria provided, single submitter. Criteria: ACMG Guidelines, 2015. Collection method: clinical testing. Allele origin: germline.
Comment: The EHHADH c.1825A>G variant is predicted to result in the amino acid substitution p.Ile609Val. To our knowledge, this variant has not been reported in the literature. This variant is reported in 0.054% of alleles in individuals of East Asian descent in gnomAD, which may be too common to be a primary cause of disease. Although we suspect that this variant may be benign, at this time, the clinical significance of this variant is uncertain due to the absence of conclusive functional and genetic evidence.

Ambry Genetics
Classification: Uncertain significance. Last evaluated: 2025-04-25. Review status: criteria provided, single submitter. Criteria: Ambry Variant Classification Scheme 2023. Collection method: clinical testing. Allele origin: germline.